The following is an entry in ClinVar:

NM_000352.6(ABCC8):c.3888G>A (p.Trp1296Ter)

Gene: ABCC8 (ATP binding cassette subfamily C member 8; minus strand). Cytogenetic location: 11p15.1.
Variant type: single nucleotide variant.
Coding change: c.3888G>A on transcript NM_000352.6 (MANE Select); coding-DNA position 3888, G replaced by A.
Protein change: p.Trp1296Ter; replaces tryptophan 1296 with a stop codon.
Molecular consequence: nonsense. On other transcripts: non-coding transcript variant (1).
Genome position (GRCh38, 1-based): chr11:17,397,293, C>T on the plus strand (G>A on the coding strand, the complement: ABCC8 is on the minus strand). VCF-style: chr11-17397293-C-T. GRCh37 (hg19) VCF-style: chr11-17418840-C-T.
Other names: c.3891G>A, p.Trp1297Ter (NM_001287174.3); c.3954G>A, p.Trp1318Ter (NM_001351295.2); c.3888G>A, p.Trp1296Ter (NM_001351296.2); c.3885G>A, p.Trp1295Ter (NM_001351297.2); short protein forms W1297*, W1296*, W1295*, W1318*.
Identifiers: ClinVar variation 4709809 (VCV004709809.1).

ClinVar aggregate classification (germline): Pathogenic (1 of 4 stars; one submission).

Submission:

Labcorp Genetics (formerly Invitae), Labcorp
Classification: Pathogenic. Last evaluated: 2025-11-10. Review status: criteria provided, single submitter. Criteria: Invitae Variant Classification Sherloc (09022015). Collection method: clinical testing. Allele origin: germline.
Comment: This sequence change creates a premature translational stop signal (p.Trp1296*) in the ABCC8 gene. It is expected to result in an absent or disrupted protein product. Loss-of-function variants in ABCC8 are known to be pathogenic (PMID: 20685672, 23345197). This variant is not present in population databases (gnomAD no frequency). This premature translational stop signal has been observed in individual(s) with clinical features of ABCC8-related conditions (PMID: 24434300). For these reasons, this variant has been classified as Pathogenic.

Literature cited by the submitters: PubMed 20685672; PubMed 23345197; PubMed 24434300.